The following is an entry in ClinVar:

NM_022051.3(EGLN1):c.563T>G (p.Leu188Arg)

Gene: EGLN1 (egl-9 family hypoxia inducible factor 1; minus strand). Cytogenetic location: 1q42.2.
Variant type: single nucleotide variant.
Coding change: c.563T>G on transcript NM_022051.3 (MANE Select); coding-DNA position 563, T replaced by G.
Protein change: p.Leu188Arg; replaces leucine 188 with arginine.
Molecular consequence: missense variant.
Genome position (GRCh38, 1-based): chr1:231,421,326, A>C on the plus strand (T>G on the coding strand, the complement: EGLN1 is on the minus strand). VCF-style: chr1-231421326-A-C. GRCh37 (hg19) VCF-style: chr1-231557072-A-C.
Other names: c.563T>G, p.Leu188Arg (NM_001377260.1, NM_001377261.1); short protein forms L188R.
Identifiers: ClinVar variation 1748795 (VCV001748795.2), dbSNP rs1656584283, ClinGen allele CA345236565.

ClinVar aggregate classification (germline): Uncertain significance (1 of 4 stars; one submission).

Allele frequency attached by ClinVar (database versions not stated): TOPMed below 0.00001; gnomAD 0.00001.
gnomAD v4.1: 1 of 1,611,986 alleles (0.000062%); highest among the groups gnomAD compares: East Asian, 0.0022%; no homozygotes.

Submission:

Ambry Genetics
Classification: Uncertain significance. Last evaluated: 2022-03-29. Review status: criteria provided, single submitter. Criteria: Ambry Variant Classification Scheme 2023. Collection method: clinical testing. Allele origin: germline.
Comment: The p.L188R variant (also known as c.563T>G), located in coding exon 1 of the EGLN1 gene, results from a T to G substitution at nucleotide position 563. The leucine at codon 188 is replaced by arginine, an amino acid with dissimilar properties. This amino acid position is conserved. In addition, this alteration is predicted to be tolerated by in silico analysis. Since supporting evidence is limited at this time, the clinical significance of this alteration remains unclear.